The following is an entry in ClinVar:

ClinVar aggregate classification (germline): Uncertain significance (1 of 4 stars; one submission).

Conditions:
Joubert syndrome 21 (JBTS21). Identifiers: MedGen C3810212, MONDO:0014288, OMIM 615636.

Allele frequency attached by ClinVar (database versions not stated): TOPMed below 0.00001; ExAC 0.00001.
gnomAD v4.1: 3 of 1,613,656 alleles (0.00019%); highest among the groups gnomAD compares: Non-Finnish European, 0.00025%; no homozygotes.

Submission:

Labcorp Genetics (formerly Invitae), Labcorp
Classification: Uncertain significance for Joubert syndrome 21. Last evaluated: 2023-06-20. Review status: criteria provided, single submitter. Criteria: Invitae Variant Classification Sherloc (09022015). Collection method: clinical testing. Allele origin: germline.
Comment: In summary, the available evidence is currently insufficient to determine the role of this variant in disease. Therefore, it has been classified as a Variant of Uncertain Significance. Algorithms developed to predict the effect of missense changes on protein structure and function output the following: SIFT: "Not Available"; PolyPhen-2: "Benign"; Align-GVGD: "Not Available". The cysteine amino acid residue is found in multiple mammalian species, which suggests that this missense change does not adversely affect protein function. This variant has not been reported in the literature in individuals affected with CSPP1-related conditions. This variant is present in population databases (rs770665386, gnomAD 0.0009%). This sequence change replaces tyrosine, which is neutral and polar, with cysteine, which is neutral and slightly polar, at codon 282 of the CSPP1 protein (p.Tyr282Cys).

NM_001382391.1(CSPP1):c.818A>G (p.Tyr273Cys)

Gene: CSPP1 (centrosome and spindle pole associated protein 1; plus strand). Cytogenetic location: 8q13.1.
Variant type: single nucleotide variant.
Coding change: c.818A>G on transcript NM_001382391.1 (MANE Select); coding-DNA position 818, A replaced by G.
Protein change: p.Tyr273Cys; replaces tyrosine 273 with cysteine.
Molecular consequence: missense variant. On other transcripts: 5 prime UTR variant (1).
Genome position (GRCh38, 1-based): chr8:67,095,627, A>G. VCF-style: chr8-67095627-A-G. GRCh37 (hg19) VCF-style: chr8-68007862-A-G.
Other names: c.-38A>G (NM_001291339.2); c.737A>G, p.Tyr246Cys (NM_001363131.2, NM_001363133.2); c.818A>G, p.Tyr273Cys (NM_001363132.2); c.926A>G, p.Tyr309Cys (NM_001364869.1); c.845A>G, p.Tyr282Cys (NM_001364870.1, NM_024790.7); short protein forms Y282C, Y273C, Y246C, Y309C.
Identifiers: ClinVar variation 2880072 (VCV002880072.3), dbSNP rs770665386, ClinGen allele CA4770367.